The following is an entry in ClinVar:

NM_002715.4(PPP2CA):c.366G>C (p.Gln122His)

Gene: PPP2CA (protein phosphatase 2 catalytic subunit alpha; minus strand). Cytogenetic location: 5q31.1.
Variant type: single nucleotide variant.
Coding change: c.366G>C on transcript NM_002715.4 (MANE Select); coding-DNA position 366, G replaced by C.
Protein change: p.Gln122His; replaces glutamine 122 with histidine.
Molecular consequence: missense variant. On other transcripts: non-coding transcript variant (1).
Genome position (GRCh38, 1-based): chr5:134,201,968, C>G on the plus strand (G>C on the coding strand, the complement: PPP2CA is on the minus strand). VCF-style: chr5-134201968-C-G. GRCh37 (hg19) VCF-style: chr5-133537659-C-G.
Other names: c.171G>C, p.Gln57His (NM_001355019.2); short protein forms Q122H, Q57H.
Identifiers: ClinVar variation 692147 (VCV000692147.2), dbSNP rs764595667, ClinGen allele CA360993172.
Genomic context (GRCh38, chr5:134,201,968, plus strand): 5'-AACATTTGCATTTCCATATTTTCTTAAACATTCATCATAGAAACCATAAACTTGTGTGAT[C>G]TGTCTGCTCTCATGATTCCCTCGAAGAATGGTGATGCGTTCACGGTAACGAACCTAAAAC-3'
Protein context (NP_002706.1, residues 112-132): TILRGNHESR[Gln122His]ITQVYGFYDE

ClinVar aggregate classification (germline): Likely pathogenic. Review status: criteria provided, multiple submitters, no conflicts (2 of 4 stars). 2 submissions from 2 submitters: Likely pathogenic (2). Last evaluated 2019-11-15.

Conditions:
Houge-Janssens syndrome 3. Also called: NEURODEVELOPMENTAL DISORDER AND LANGUAGE DELAY WITH OR WITHOUT STRUCTURAL BRAIN ABNORMALITIES. Identifiers: MedGen C5193048, MONDO:0032697, OMIM 618354.

Submissions (2):

Baylor Genetics
Classification: Likely pathogenic for Houge-Janssens syndrome 3. Last evaluated: 2019-11-15. Review status: criteria provided, single submitter. Criteria: ACMG Guidelines, 2015. Collection method: clinical testing. Allele origin: de novo. Affected: yes.
Comment: This variant was determined to be likely pathogenic according to ACMG Guidelines, 2015 [PMID:25741868]. De novo variants in PPP2CA have been previously reported in patients with intellectual disability [PMID: 29051493]

SIB Swiss Institute of Bioinformatics
Classification: Likely pathogenic for Houge-Janssens syndrome 3. Last evaluated: 2019-07-15. Review status: criteria provided, single submitter. Criteria: ACMG Guidelines, 2015. Collection method: curation. Allele origin: unknown.
Comment: This variant is interpreted as a Likely pathogenic for Neurodevelopmental disorder and language delay with or without structural brain abnormalities, autosomal dominant. The following ACMG Tag(s) were applied: PM2, PM6, PS3.

Literature cited by the submitters: PubMed 29051493 (cited by Baylor Genetics); PubMed 30595372 (cited by SIB Swiss Institute of Bioinformatics).